The following is an entry in ClinVar:

NM_015443.4(KANSL1):c.2021-147T>C

Gene: KANSL1 (KAT8 regulatory NSL complex subunit 1). Cytogenetic location: 17q21.31.
Variant type: single nucleotide variant.
Coding change: c.2021-147T>C on transcript NM_015443.4 (MANE Select); 147 bases into the intron before coding-DNA position 2021, T replaced by C.
Molecular consequence: intron variant.
Genome position (GRCh38, 1-based): chr17:46,040,031, A>G on the plus strand (T>C on the coding strand, the complement: KANSL1 is on the minus strand). VCF-style: chr17-46040031-A-G. GRCh37 (hg19) VCF-style: chr17-44117397-A-G.
Other names: c.2021-147T>C (NM_001193465.2, NM_001379198.1, NM_001193466.2).
Identifiers: ClinVar variation 670428 (VCV000670428.2), dbSNP rs10514897, ClinGen allele CA14404225.

ClinVar aggregate classification (germline): Benign. Review status: criteria provided, multiple submitters, no conflicts (2 of 4 stars). 2 submissions from 2 submitters: Benign (2). Last evaluated 2018-06-14.

Allele frequency attached by ClinVar (database versions not stated): 1000 Genomes Project 30x 0.08542; 1000 Genomes Project 0.08626; gnomAD 0.14183 and 0.14473; TOPMed 0.14812; gnomAD exomes 0.16617.
gnomAD v4.1: 103,122 of 641,274 alleles (16%); highest among the groups gnomAD compares: Middle Eastern, 21%; 10,522 homozygotes.

Submissions (2):

GeneDx
Classification: Benign. Last evaluated: 2018-06-14. Review status: criteria provided, single submitter. Criteria: GeneDx Variant Classification (06012015). Collection method: clinical testing. Allele origin: germline. Affected: yes.
Comment: This variant is considered likely benign or benign based on one or more of the following criteria: it is a conservative change, it occurs at a poorly conserved position in the protein, it is predicted to be benign by multiple in silico algorithms, and/or has population frequency not consistent with disease.

Breakthrough Genomics
Classification: Benign. Review status: criteria provided, single submitter. Criteria: ACMG Guidelines, 2015. Collection method: not provided. Allele origin: germline. Inheritance: Autosomal dominant inheritance. Affected: yes.